The following is an entry in ClinVar:

ClinVar aggregate classification (germline): Likely benign. Review status: criteria provided, multiple submitters, no conflicts (2 of 4 stars). 2 submissions from 2 submitters: Likely benign (2). Last evaluated 2025-08-01.

Submissions (2):

CeGaT Center for Human Genetics Tuebingen
Classification: Likely benign. Last evaluated: 2025-08-01. Review status: criteria provided, single submitter. Criteria: CeGaT Center For Human Genetics Tuebingen Variant Classification Criteria Version 2. Collection method: clinical testing. Allele origin: germline. Affected: yes. Observed: 1 variant allele.
Comment: TBX2: PP3, BS1

Blueprint Genetics
Classification: Likely benign. Last evaluated: 2024-01-15. Review status: criteria provided, single submitter. Criteria: ACMG Guidelines, 2015. Collection method: clinical testing. Allele origin: germline.

NM_005994.4(TBX2):c.464T>C (p.Met155Thr)

Gene: TBX2 (T-box transcription factor 2; plus strand). Cytogenetic location: 17q23.2.
Variant type: single nucleotide variant.
Coding change: c.464T>C on transcript NM_005994.4 (MANE Select); coding-DNA position 464, T replaced by C.
Protein change: p.Met155Thr; replaces methionine 155 with threonine.
Molecular consequence: missense variant.
Genome position (GRCh38, 1-based): chr17:61,401,752, T>C. VCF-style: chr17-61401752-T-C. GRCh37 (hg19) VCF-style: chr17-59479113-T-C.
Other names: short protein forms M155T.
Identifiers: ClinVar variation 4084526 (VCV004084526.9).
Genomic context (GRCh38, chr17:61,401,752, plus strand): 5'-TCCCCCCCTTCAAGGTGCGAGTCAGCGGCCTGGACAAGAAGGCCAAGTATATCCTGCTGA[T>C]GGACATTGTAGCCGCTGACGATTGCCGCTATAAGTTCCACAACTCGCGCTGGATGGTGGC-3'
Protein context (NP_005985.3, residues 145-165): LDKKAKYILL[Met155Thr]DIVAADDCRY